The following is an entry in ClinVar:

NM_001206744.2(TPO):c.1769-1G>T

Genes: LALTOP (lung cancer associated lncRNA targeting TOP2A; minus strand), TPO (thyroid peroxidase; plus strand). Cytogenetic location: 2p25.3.
Variant type: single nucleotide variant.
Coding change: c.1769-1G>T on transcript NM_001206744.2 (MANE Select); the canonical splice acceptor site of the intron before coding-DNA position 1769, G replaced by T.
Molecular consequence: splice acceptor variant.
Genome position (GRCh38, 1-based): chr2:1,493,801, G>T. VCF-style: chr2-1493801-G-T. GRCh37 (hg19) VCF-style: chr2-1497573-G-T.
Other names: c.1769-1G>T (NM_000547.6, NM_175721.3); c.1598-1G>T (NM_175719.4, NM_001206745.2); c.1250-1G>T (NM_175722.3).
Identifiers: ClinVar variation 2830934 (VCV002830934.3), dbSNP rs2546249090, ClinGen allele CA345696324.
Genomic context (GRCh38, chr2:1,493,801, plus strand): 5'-AGATGGGCTGAACAAAAGTTCAGTTCTGTGAGAGAAACCCTGCAGCCTCTCCCCTGTGCA[G>T]GTTACAATGAGTGGAGGGAGTTCTGCGGCCTGCCTCGCCTGGAGACCCCCGCTGACCTGA-3'

ClinVar aggregate classification (germline): Likely pathogenic (1 of 4 stars; one submission).

Submission:

Labcorp Genetics (formerly Invitae), Labcorp
Classification: Likely pathogenic. Last evaluated: 2023-01-22. Review status: criteria provided, single submitter. Criteria: Invitae Variant Classification Sherloc (09022015). Collection method: clinical testing. Allele origin: germline.
Comment: This sequence change affects an acceptor splice site in intron 10 of the TPO gene. It is expected to disrupt RNA splicing. Variants that disrupt the donor or acceptor splice site typically lead to a loss of protein function (PMID: 16199547), and loss-of-function variants in TPO are known to be pathogenic (PMID: 11061528, 23236987, 25564141). This variant is not present in population databases (gnomAD no frequency). This variant has not been reported in the literature in individuals affected with TPO-related conditions. Algorithms developed to predict the effect of sequence changes on RNA splicing suggest that this variant may disrupt the consensus splice site. In summary, the currently available evidence indicates that the variant is pathogenic, but additional data are needed to prove that conclusively. Therefore, this variant has been classified as Likely Pathogenic.

Literature cited by the submitters: PubMed 16199547; PubMed 11061528; PubMed 23236987; PubMed 25564141.